The following is an entry in ClinVar:

ClinVar aggregate classification (germline): Uncertain significance. Review status: criteria provided, multiple submitters, no conflicts (2 of 4 stars). 2 submissions from 2 submitters: Uncertain significance (2). Last evaluated 2025-12-01.

Conditions:
Inborn genetic diseases. Identifiers: MedGen C0950123, MeSH D030342.

Allele frequency attached by ClinVar (database versions not stated): gnomAD 0.00001; TOPMed 0.00002; ExAC 0.00004; gnomAD exomes 0.00009; ESP Exome Variant Server 0.00015.
gnomAD v4.1: 130 of 1,612,590 alleles (0.0081%); highest among the groups gnomAD compares: Non-Finnish European, 0.011%; no homozygotes.

Submissions (2):

Labcorp Genetics (formerly Invitae), Labcorp
Classification: Uncertain significance. Last evaluated: 2025-12-01. Review status: criteria provided, single submitter. Criteria: Invitae Variant Classification Sherloc (09022015). Collection method: clinical testing. Allele origin: germline.
Comment: This sequence change replaces proline, which is neutral and non-polar, with serine, which is neutral and polar, at codon 44 of the ALPK1 protein (p.Pro44Ser). This variant is present in population databases (rs375325807, gnomAD 0.006%). This variant has not been reported in the literature in individuals affected with ALPK1-related conditions. ClinVar contains an entry for this variant (Variation ID: 2711642). Invitae Evidence Modeling of protein sequence and biophysical properties (such as structural, functional, and spatial information, amino acid conservation, physicochemical variation, residue mobility, and thermodynamic stability) indicates that this missense variant is not expected to disrupt ALPK1 protein function with a negative predictive value of 80%. In summary, the available evidence is currently insufficient to determine the role of this variant in disease. Therefore, it has been classified as a Variant of Uncertain Significance.

Ambry Genetics
Classification: Uncertain significance for Inborn genetic diseases. Last evaluated: 2025-02-08. Review status: criteria provided, single submitter. Criteria: Ambry Variant Classification Scheme 2023. Collection method: clinical testing. Allele origin: germline.

NM_025144.4(ALPK1):c.130C>T (p.Pro44Ser)

Gene: ALPK1 (alpha kinase 1; plus strand). Cytogenetic location: 4q25.
Variant type: single nucleotide variant.
Coding change: c.130C>T on transcript NM_025144.4 (MANE Select); coding-DNA position 130, C replaced by T.
Protein change: p.Pro44Ser; replaces proline 44 with serine.
Molecular consequence: missense variant. On other transcripts: intron variant (1).
Genome position (GRCh38, 1-based): chr4:112,382,406, C>T. VCF-style: chr4-112382406-C-T. GRCh37 (hg19) VCF-style: chr4-113303562-C-T.
Other names: c.130C>T, p.Pro44Ser (NM_001102406.2); c.42+4508C>T (NM_001253884.2); c.130C>T (NM_025144.3); short protein forms P44S.
Identifiers: ClinVar variation 2711642 (VCV002711642.4), dbSNP rs375325807, ClinGen allele CA3046267.
Genomic context (GRCh38, chr4:112,382,406, plus strand): 5'-AACAGCCTTTTCTTTGACTGCAATTTCCTTACCTGAACTCTGACCTTTTCAGCTTTACTC[C>T]CCAGCGAGTTAAGGACCCTGATCCAGGAGGCAAAGGAAATGAAGTGGCCCTTCGTGCCTG-3'
Protein context (NP_079420.3, residues 34-54): SEDQRCRALL[Pro44Ser]SELRTLIQEA